The following is an entry in ClinVar:

NM_007294.4(BRCA1):c.-7G>T

Gene: BRCA1 (BRCA1 DNA repair associated; minus strand). Cytogenetic location: 17q21.31.
Variant type: single nucleotide variant.
Coding change: c.-7G>T on transcript NM_007294.4 (MANE Select); 7 bases upstream of the start codon, G replaced by T.
Molecular consequence: 5 prime UTR variant. On other transcripts: non-coding transcript variant (1).
Genome position (GRCh38, 1-based): chr17:43,124,103, C>A on the plus strand (G>T on the coding strand, the complement: BRCA1 is on the minus strand). VCF-style: chr17-43124103-C-A. GRCh37 (hg19) VCF-style: chr17-41276120-C-A.
Other names: c.-195G>T (NM_001407571.1, NM_001407853.1, NM_001407879.1 and 42 more transcripts); c.-7G>T (NM_001407581.1, NM_001407582.1, NM_001407583.1 and 169 more transcripts); c.-264G>T (NM_001407694.1, NM_001407724.1, NM_001407727.1 and 11 more transcripts); c.-268G>T (NM_001407695.1, NM_001408465.1); c.-409G>T (NM_001407696.1); c.-293G>T (NM_001407697.1, NM_001407846.1, NM_001407920.1); c.-94G>T (NM_001407698.1, NM_001407732.1, NM_001407736.1 and 21 more transcripts); c.-267G>T (NM_001407725.1, NM_001407730.1, NM_001407734.1 and 22 more transcripts); and 8 more.
Identifiers: ClinVar variation 868667 (VCV000868667.3), dbSNP rs1567823538, ClinGen allele CA916081149.
Genomic context (GRCh38, chr17:43,124,103, plus strand): 5'-CATAGCATTAATGACATTTTGTACTTCTTCAACGCGAAGAGCAGATAAATCCATTTCTTT[C>A]TGTTCCAATGAACTTTAACACATTAGAAAAACATATATATATATCTTTTTAAAAGGTTTA-3'

Conditions:
Breast-ovarian cancer, familial, susceptibility to, 1 (BROVCA1). Also called: BRCA1 Hereditary Breast and Ovarian Cancer; OVARIAN CANCER, SUSCEPTIBILITY TO. Identifiers: Orphanet 145, MedGen C2676676, MONDO:0011450, OMIM 604370. Disease mechanism: loss of function.

Submission:

Brotman Baty Institute, University of Washington
No classification provided (evidence only). Condition: Breast-ovarian cancer, familial 1. Review status: no classification provided. Collection method: in vitro. Allele origin: not applicable. Functional consequence: function_uncertain_variant.
ClinVar note: "not provided" was previously submitted as the classification for the variant. However, the classification appeared to be based only on an observation of functional data so it was converted to no classification on 2025-07-30.